The following is an entry in ClinVar:

NM_004364.5(CEBPA):c.451G>C (p.Gly151Arg)

Gene: CEBPA (CCAAT enhancer binding protein alpha; minus strand). Cytogenetic location: 19q13.11.
Variant type: single nucleotide variant.
Coding change: c.451G>C on transcript NM_004364.5 (MANE Select); coding-DNA position 451, G replaced by C.
Protein change: p.Gly151Arg; replaces glycine 151 with arginine.
Molecular consequence: missense variant.
Genome position (GRCh38, 1-based): chr19:33,301,964, C>G on the plus strand (G>C on the coding strand, the complement: CEBPA is on the minus strand). VCF-style: chr19-33301964-C-G. GRCh37 (hg19) VCF-style: chr19-33792870-C-G.
Other names: c.94G>C, p.Gly32Arg (NM_001285829.2); c.556G>C, p.Gly186Arg (NM_001287424.2); c.409G>C, p.Gly137Arg (NM_001287435.2); c.451G>C (NM_004364.3); short protein forms G137R, G186R, G32R, G151R.
Identifiers: ClinVar variation 1439420 (VCV001439420.10), dbSNP rs986682061, ClinGen allele CA405274924.
Genomic context (GRCh38, chr19:33,301,964, plus strand): 5'-TGGCTTCATCCTCCTCGCGGGGCTCCTGCTTGATCACCAGCGGCCGCAGCGCCGGCGCCC[C>G]GACGCGCTCGTACAGGGGCTCCAGCCTGCCGTCCAGGTAGCCGGCGGCCGCGCAGCCGTA-3'
Protein context (NP_004355.2, residues 141-161): GRLEPLYERV[Gly151Arg]APALRPLVIK

ClinVar aggregate classification (germline): Conflicting classifications of pathogenicity. Review status: criteria provided, conflicting classifications (1 of 4 stars). 3 submissions from 3 submitters: Uncertain significance (2); Likely benign (1). Last evaluated 2025-07-30.

Conditions:
Inborn genetic diseases. Identifiers: MedGen C0950123, MeSH D030342.
Acute myeloid leukemia (AML). Also called: Leukemia, acute myeloid, somatic; Leukemia, acute myelogenous, somatic; Acute myeloid leukemia, adult; AML adult; Acute non-lymphocytic leukemia; Acute granulocytic leukemia. Identifiers: Orphanet 519, MedGen C0023467, MeSH D015470, MONDO:0018874, OMIM 601626, HP:0004808. Disease mechanism: Constitutively activated FLT3.

Submissions (3):

Labcorp Genetics (formerly Invitae), Labcorp
Classification: Uncertain significance for Acute myeloid leukemia. Last evaluated: 2025-07-30. Review status: criteria provided, single submitter. Criteria: Invitae Variant Classification Sherloc (09022015). Collection method: clinical testing. Allele origin: germline.
Comment: This sequence change replaces glycine, which is neutral and non-polar, with arginine, which is basic and polar, at codon 151 of the CEBPA protein (p.Gly151Arg). The frequency data for this variant in the population databases is considered unreliable, as metrics indicate insufficient coverage at this position in the gnomAD database. This variant has not been reported in the literature in individuals affected with CEBPA-related conditions. ClinVar contains an entry for this variant (Variation ID: 1439420). An algorithm developed to predict the effect of missense changes on protein structure and function (PolyPhen-2) suggests that this variant is likely to be tolerated. In summary, the available evidence is currently insufficient to determine the role of this variant in disease. Therefore, it has been classified as a Variant of Uncertain Significance.

Ambry Genetics
Classification: Likely benign for Inborn genetic diseases. Last evaluated: 2025-04-14. Review status: criteria provided, single submitter. Criteria: Ambry Variant Classification Scheme 2023. Collection method: clinical testing. Allele origin: germline.

Baylor Genetics
Classification: Uncertain significance for Acute myeloid leukemia. Last evaluated: 2023-07-14. Review status: criteria provided, single submitter. Criteria: ACMG Guidelines, 2015. Collection method: clinical testing. Allele origin: unknown.